The following is an entry in ClinVar:

NM_001130144.3(LTBP3):c.-6C>A

Gene: LTBP3 (latent transforming growth factor beta binding protein 3; minus strand). Cytogenetic location: 11q13.1.
Variant type: single nucleotide variant.
Coding change: c.-6C>A on transcript NM_001130144.3 (MANE Select); 6 bases upstream of the start codon, C replaced by A.
Molecular consequence: 5 prime UTR variant.
Genome position (GRCh38, 1-based): chr11:65,557,965, G>T on the plus strand (C>A on the coding strand, the complement: LTBP3 is on the minus strand). VCF-style: chr11-65557965-G-T. GRCh37 (hg19) VCF-style: chr11-65325436-G-T.
Other names: c.-353C>A (NM_001164266.1); c.-6C>A (NM_021070.4).
Identifiers: ClinVar variation 3032620 (VCV003032620.2), dbSNP rs1856870019, ClinGen allele CA2614336171.

ClinVar aggregate classification (germline): Likely benign (0 of 4 stars; one submission).

Conditions:
LTBP3-related disorder. Also called: LTBP3-related condition.

Submission:

PreventionGenetics, part of Exact Sciences
Classification: Likely benign for LTBP3-related condition. Last evaluated: 2022-07-20. Review status: no assertion criteria provided. Collection method: clinical testing. Allele origin: germline.
Comment: This variant is classified as likely benign based on ACMG/AMP sequence variant interpretation guidelines (Richards et al. 2015 PMID: 25741868, with internal and published modifications).